The following is an entry in ClinVar:

NM_001358235.2(DCHS2):c.4056T>C (p.Asn1352=)

Gene: DCHS2 (dachsous cadherin-related 2; minus strand). Cytogenetic location: 4q31.3.
Variant type: single nucleotide variant.
Coding change: c.4056T>C on transcript NM_001358235.2 (MANE Select); coding-DNA position 4056, T replaced by C.
Protein change: p.Asn1352=; no amino-acid change (asparagine 1352 retained).
Molecular consequence: synonymous variant.
Genome position (GRCh38, 1-based): chr4:154,322,451, A>G on the plus strand (T>C on the coding strand, the complement: DCHS2 is on the minus strand). VCF-style: chr4-154322451-A-G. GRCh37 (hg19) VCF-style: chr4-155243603-A-G.
Identifiers: ClinVar variation 3039409 (VCV003039409.2), dbSNP rs75387086, ClinGen allele CA3112955.
Genomic context (GRCh38, chr4:154,322,451, plus strand): 5'-ACTCATTCTGTAGGAAGGTCTATAATCATACGAAAGTATTGTGGTTGTTCTTATTTCACC[A>G]TTGTTGGCGTCAATCTTAAAGTGATCAGAACTATCTTCTACACACACAAGAAAATTAAGA-3'
Protein context (NP_001345164.1, residues 1342-1362): SSDHFKIDAN[Asn1352=]GEIRTTTILS

ClinVar aggregate classification (germline): Benign (0 of 4 stars; one submission).

Conditions:
DCHS2-related disorder. Also called: DCHS2-related condition.

Allele frequency attached by ClinVar (database versions not stated): gnomAD exomes 0.00187; ExAC 0.00437; ESP Exome Variant Server 0.00953; gnomAD 0.01029; TOPMed 0.01146; 1000 Genomes Project 0.01498; 1000 Genomes Project 30x 0.01608.
gnomAD v4.1: 4,415 of 1,613,558 alleles (0.27%); highest among the groups gnomAD compares: African/African-American, 3.3%; 49 homozygotes.

Submission:

PreventionGenetics, part of Exact Sciences
Classification: Benign for DCHS2-related condition. Last evaluated: 2019-04-02. Review status: no assertion criteria provided. Collection method: clinical testing. Allele origin: germline.
Comment: This variant is classified as benign based on ACMG/AMP sequence variant interpretation guidelines (Richards et al. 2015 PMID: 25741868, with internal and published modifications).